The following is an entry in ClinVar:

NM_024704.5(KIF16B):c.3498+3074C>G

Gene: KIF16B (kinesin family member 16B; minus strand). Cytogenetic location: 20p12.1.
Variant type: single nucleotide variant.
Coding change: c.3498+3074C>G on transcript NM_024704.5 (MANE Select); 3074 bases into the intron after coding-DNA position 3498, C replaced by G.
Molecular consequence: intron variant. On other transcripts: missense variant (1).
Genome position (GRCh38, 1-based): chr20:16,367,512, G>C on the plus strand (C>G on the coding strand, the complement: KIF16B is on the minus strand). VCF-style: chr20-16367512-G-C. GRCh37 (hg19) VCF-style: chr20-16348157-G-C.
Other names: c.3813C>G, p.Asn1271Lys (NM_001199866.2); c.3345+3074C>G (NM_001199865.2); short protein forms N1271K.
Identifiers: ClinVar variation 871376 (VCV000871376.42), dbSNP rs569115408, ClinGen allele CA9769912.

ClinVar aggregate classification (germline): Likely benign. Review status: criteria provided, multiple submitters, no conflicts (2 of 4 stars). 2 submissions from 2 submitters: Likely benign (2). Last evaluated 2023-03-01.

Allele frequency attached by ClinVar (database versions not stated): gnomAD 0.00012 and 0.00034; TOPMed 0.00020; gnomAD exomes 0.00062 and 0.00110; ExAC 0.00133; 1000 Genomes Project 30x 0.00172; 1000 Genomes Project 0.00200.
gnomAD v4.1: 964 of 1,612,882 alleles (0.06%); highest among the groups gnomAD compares: South Asian, 0.85%; 8 homozygotes.

Submissions (2):

CeGaT Center for Human Genetics Tuebingen
Classification: Likely benign. Last evaluated: 2023-03-01. Review status: criteria provided, single submitter. Criteria: CeGaT Center For Human Genetics Tuebingen Variant Classification Criteria Version 2. Collection method: clinical testing. Allele origin: germline. Affected: yes. Observed: 2 variant alleles.
Comment: KIF16B: BS2

Breakthrough Genomics
Classification: Likely benign. Review status: criteria provided, single submitter. Criteria: ACMG Guidelines, 2015. Collection method: not provided. Allele origin: germline. Inheritance: Unknown mechanism. Affected: yes.